The following is an entry in ClinVar:

ClinVar aggregate classification (germline): Uncertain significance. Review status: criteria provided, multiple submitters, no conflicts (2 of 4 stars). 5 submissions from 4 submitters: Uncertain significance (5). Last evaluated 2025-10-22.

Conditions:
Adams-Oliver syndrome 5 (AOS5). Identifiers: Orphanet 974, MedGen C4014970, MONDO:0014459, OMIM 616028.
Aortic valve disease 1 (AOVD1). Identifiers: MedGen C3887892, MONDO:0024523, OMIM 109730.
Familial thoracic aortic aneurysm and aortic dissection (TAAD). Also called: Thoracic aortic aneurysms and dissections. Identifiers: Orphanet 91387, MedGen C4707243, MONDO:0019625.

Submissions (5):

GeneDx
Classification: Uncertain significance. Last evaluated: 2025-10-22. Review status: criteria provided, single submitter. Criteria: GeneDx Variant Classification Process June 2021. Collection method: clinical testing. Allele origin: germline. Affected: yes.
Comment: Not observed at significant frequency in large population cohorts (gnomAD); In silico analysis supports a deleterious effect on protein structure/function; Has not been previously published as pathogenic or benign to our knowledge

Labcorp Genetics (formerly Invitae), Labcorp
Classification: Uncertain significance for Adams-Oliver syndrome 5. Last evaluated: 2025-10-14. Review status: criteria provided, single submitter. Criteria: Invitae Variant Classification Sherloc (09022015). Collection method: clinical testing. Allele origin: germline.
Comment: This variant, c.2898_2899delinsGA, is a complex sequence change that results in the deletion of 2 and insertion of 2 amino acid(s) in the NOTCH1 protein (p.Ser966_Tyr967delinsArgAsn). Information on the frequency of this variant in the gnomAD database is not available, as this variant may be reported differently in the database. This variant has not been reported in the literature in individuals affected with NOTCH1-related conditions. ClinVar contains an entry for this variant (Variation ID: 1020714). Experimental studies and prediction algorithms are not available or were not evaluated, and the functional significance of this variant is currently unknown. In summary, the available evidence is currently insufficient to determine the role of this variant in disease. Therefore, it has been classified as a Variant of Uncertain Significance.

Ambry Genetics
Classification: Uncertain significance for Familial thoracic aortic aneurysm and aortic dissection. Last evaluated: 2023-03-08. Review status: criteria provided, single submitter. Criteria: Ambry Variant Classification Scheme 2023. Collection method: clinical testing. Allele origin: germline.
Comment: The c.2898_2899delCTinsGA variant, located in coding exon 18 of the NOTCH1 gene, results from an in-frame deletion of CT and insertion of GA at nucleotide positions 2898 to 2899. This results in the substitution of serine and tyrosine residues for arginine and asparagine residues at codons 966 to 967. This amino acid region is highly conserved in available vertebrate species. In addition, this alteration is predicted to be deleterious by in silico analysis (Choi Y et al. PLoS ONE. 2012; 7(10):e46688). Since supporting evidence is limited at this time, the clinical significance of this alteration remains unclear.

Genome-Nilou Lab
Classification: Uncertain significance for Adams-Oliver syndrome 5. Last evaluated: 2022-03-15. Review status: criteria provided, single submitter. Criteria: ACMG Guidelines, 2015. Collection method: clinical testing. Allele origin: germline. Affected: no.

Genome-Nilou Lab
Classification: Uncertain significance for Aortic valve disease 1. Last evaluated: 2022-03-15. Review status: criteria provided, single submitter. Criteria: ACMG Guidelines, 2015. Collection method: clinical testing. Allele origin: germline. Affected: no.

NM_017617.5(NOTCH1):c.2898_2899delinsGA (p.Ser966_Tyr967delinsArgAsn)

Gene: NOTCH1 (notch receptor 1; minus strand). Cytogenetic location: 9q34.3.
Variant type: Indel.
Coding change: c.2898_2899delinsGA on transcript NM_017617.5 (MANE Select); coding-DNA positions 2898 to 2899, CT replaced by GA.
Protein change: p.Ser966_Tyr967delinsArgAsn.
Molecular consequence: missense variant.
Genome position (GRCh38, 1-based): chr9:136,509,803-136,509,804, AG replaced by TC on the plus strand (CT replaced by GA on the coding strand, the reverse complement: NOTCH1 is on the minus strand). VCF-style: chr9-136509803-AG-TC. GRCh37 (hg19) VCF-style: chr9-139404255-AG-TC.
Other names: c.2898_2899delCTinsGA (NM_017617.3).
Identifiers: ClinVar variation 1020714 (VCV001020714.13), dbSNP rs1843149230, ClinGen allele CA2497273414.